The following is an entry in ClinVar:

ClinVar aggregate classification (germline): Uncertain significance (1 of 4 stars; one submission).

Conditions:
Cardiovascular phenotype. Identifiers: MedGen CN230736.

Allele frequency attached by ClinVar (database versions not stated): gnomAD exomes below 0.00001.
gnomAD v4.1: 1 of 1,598,456 alleles (0.000063%); highest among the groups gnomAD compares: Non-Finnish European, 0.000085%; no homozygotes.

Submission:

Ambry Genetics
Classification: Uncertain significance for Cardiovascular phenotype. Last evaluated: 2022-01-02. Review status: criteria provided, single submitter. Criteria: Ambry Variant Classification Scheme 2023. Collection method: clinical testing. Allele origin: germline.
Comment: The p.S1155T variant (also known as c.3464G>C), located in coding exon 8 of the TNXB gene, results from a G to C substitution at nucleotide position 3464. The serine at codon 1155 is replaced by threonine, an amino acid with similar properties. This amino acid position is conserved. In addition, this alteration is predicted to be tolerated by in silico analysis. Since supporting evidence is limited at this time, the clinical significance of this alteration remains unclear.

NM_001365276.2(TNXB):c.3464G>C (p.Ser1155Thr)

Gene: TNXB (tenascin XB; minus strand). Cytogenetic location: 6p21.33.
Variant type: single nucleotide variant.
Coding change: c.3464G>C on transcript NM_001365276.2 (MANE Select); coding-DNA position 3464, G replaced by C.
Protein change: p.Ser1155Thr; replaces serine 1155 with threonine.
Molecular consequence: missense variant.
Genome position (GRCh38, 1-based): chr6:32,082,308, C>G on the plus strand (G>C on the coding strand, the complement: TNXB is on the minus strand). VCF-style: chr6-32082308-C-G. GRCh37 (hg19) VCF-style: chr6-32050085-C-G.
Other names: c.3464G>C, p.Ser1155Thr (NM_019105.8); short protein forms S1155T.
Identifiers: ClinVar variation 1731667 (VCV001731667.2), dbSNP rs2483679222, ClinGen allele CA363439212.